The following is an entry in ClinVar:

ClinVar aggregate classification (germline): Likely pathogenic (1 of 4 stars; one submission).

Conditions:
Dilated cardiomyopathy 1G (CMD1G). Identifiers: Orphanet 154, MedGen C1858763, MONDO:0011400, OMIM 604145.
Autosomal recessive limb-girdle muscular dystrophy type 2J (LGMDR10). Also called: Limb-girdle muscular dystrophy, type 2J; MUSCULAR DYSTROPHY, LIMB-GIRDLE, AUTOSOMAL RECESSIVE 10. Identifiers: Orphanet 140922, MedGen C1837342, MONDO:0012127, OMIM 608807.

Submission:

Labcorp Genetics (formerly Invitae), Labcorp
Classification: Likely pathogenic for Dilated cardiomyopathy 1G; Autosomal recessive limb-girdle muscular dystrophy type 2J. Last evaluated: 2023-05-10. Review status: criteria provided, single submitter. Criteria: Invitae Variant Classification Sherloc (09022015). Collection method: clinical testing. Allele origin: germline.
Comment: ClinVar contains an entry for this variant (Variation ID: 1932484). Algorithms developed to predict the effect of sequence changes on RNA splicing suggest that this variant may disrupt the consensus splice site. This variant is located in the A band of TTN (PMID: 25589632). Truncating variants in this region are significantly overrepresented in patients affected with dilated cardiomyopathy (PMID: 25589632). Truncating variants in this region have also been reported in individuals affected with autosomal recessive centronuclear myopathy (PMID: 23975875). In summary, the currently available evidence indicates that the variant is pathogenic, but additional data are needed to prove that conclusively. Therefore, this variant has been classified as Likely Pathogenic. Disruption of this splice site has been observed in individual(s) with dilated cardiomyopathy (PMID: 27813223, 30847666). This sequence change affects a donor splice site in intron 309 of the TTN gene. It is expected to disrupt RNA splicing and likely results in a truncated or disrupted TTN protein. This variant is not present in population databases (gnomAD no frequency).

Literature cited by the submitters: PubMed 25589632; PubMed 23975875; PubMed 27813223; PubMed 30847666.

NM_001267550.2(TTN):c.64672+2T>A

Genes: TTN-AS1 (TTN antisense RNA 1; plus strand), TTN (titin; minus strand). Cytogenetic location: 2q31.2.
Variant type: single nucleotide variant.
Coding change: c.64672+2T>A on transcript NM_001267550.2 (MANE Select); the canonical splice donor site of the intron after coding-DNA position 64672, T replaced by A.
Molecular consequence: splice donor variant.
Genome position (GRCh38, 1-based): chr2:178,585,070, A>T on the plus strand (T>A on the coding strand, the complement: TTN is on the minus strand). VCF-style: chr2-178585070-A-T. GRCh37 (hg19) VCF-style: chr2-179449797-A-T.
Other names: c.37477+2T>A (NM_003319.4); c.38053+2T>A (NM_133437.4); c.37852+2T>A (NM_133432.3); c.56968+2T>A (NM_133378.4); c.59749+2T>A (NM_001256850.1).
Identifiers: ClinVar variation 1932484 (VCV001932484.5), dbSNP rs2154180290, ClinGen allele CA349438512.